The following is an entry in ClinVar:

NM_014319.5(LEMD3):c.1258A>G (p.Ser420Gly)

Gene: LEMD3 (LEM domain containing 3; plus strand). Cytogenetic location: 12q14.3.
Variant type: single nucleotide variant.
Coding change: c.1258A>G on transcript NM_014319.5 (MANE Select); coding-DNA position 1258, A replaced by G.
Protein change: p.Ser420Gly; replaces serine 420 with glycine.
Molecular consequence: missense variant.
Genome position (GRCh38, 1-based): chr12:65,170,854, A>G. VCF-style: chr12-65170854-A-G. GRCh37 (hg19) VCF-style: chr12-65564634-A-G.
Other names: c.1258A>G, p.Ser420Gly (NM_001167614.2); short protein forms S420G.
Identifiers: ClinVar variation 4754438 (VCV004754438.1).

ClinVar aggregate classification (germline): Uncertain significance (1 of 4 stars; one submission).

gnomAD v4.1: 3 of 1,614,160 alleles (0.00019%); highest among the groups gnomAD compares: Admixed American, 0.0033%; no homozygotes.

Submission:

Labcorp Genetics (formerly Invitae), Labcorp
Classification: Uncertain significance. Last evaluated: 2025-08-18. Review status: criteria provided, single submitter. Criteria: Invitae Variant Classification Sherloc (09022015). Collection method: clinical testing. Allele origin: germline.
Comment: This sequence change replaces serine, which is neutral and polar, with glycine, which is neutral and non-polar, at codon 420 of the LEMD3 protein (p.Ser420Gly). This variant is present in population databases (rs752524303, gnomAD 0.006%). This variant has not been reported in the literature in individuals affected with LEMD3-related conditions. Invitae Evidence Modeling of protein sequence and biophysical properties (such as structural, functional, and spatial information, amino acid conservation, physicochemical variation, residue mobility, and thermodynamic stability) indicates that this missense variant is not expected to disrupt LEMD3 protein function with a negative predictive value of 80%. In summary, the available evidence is currently insufficient to determine the role of this variant in disease. Therefore, it has been classified as a Variant of Uncertain Significance.